The following is an entry in ClinVar:

NM_001374353.1(GLI2):c.2117T>C (p.Met706Thr)

Gene: GLI2 (GLI family zinc finger 2; plus strand). Cytogenetic location: 2q14.2.
Variant type: single nucleotide variant.
Coding change: c.2117T>C on transcript NM_001374353.1 (MANE Select); coding-DNA position 2117, T replaced by C.
Protein change: p.Met706Thr; replaces methionine 706 with threonine.
Molecular consequence: missense variant.
Genome position (GRCh38, 1-based): chr2:120,986,489, T>C. VCF-style: chr2-120986489-T-C. GRCh37 (hg19) VCF-style: chr2-121744065-T-C.
Other names: c.2168T>C, p.Met723Thr (NM_001371271.1, NM_005270.5); c.1742T>C, p.Met581Thr (NM_001374354.1); short protein forms M581T, M706T, M723T.
Identifiers: ClinVar variation 2581991 (VCV002581991.1), dbSNP rs761281400, ClinGen allele CA348164185.

ClinVar aggregate classification (germline): Uncertain significance (1 of 4 stars; one submission).

Submission:

GeneDx
Classification: Uncertain significance. Last evaluated: 2023-03-27. Review status: criteria provided, single submitter. Criteria: GeneDx Variant Classification Process June 2021. Collection method: clinical testing. Allele origin: germline. Affected: yes.
Comment: Not observed at significant frequency in large population cohorts (gnomAD); In silico analysis supports that this missense variant has a deleterious effect on protein structure/function; Has not been previously published as pathogenic or benign to our knowledge